The following is an entry in ClinVar:

ClinVar aggregate classification (germline): Uncertain significance (1 of 4 stars; one submission).

Conditions:
Candidiasis, familial, 8 (CANDF8). Identifiers: Orphanet 1334, MedGen C3714992, MONDO:0014230, OMIM 615527.

Allele frequency attached by ClinVar (database versions not stated): gnomAD 0.00001; TOPMed 0.00001.
gnomAD v4.1: 2 of 1,515,102 alleles (0.00013%); highest among the groups gnomAD compares: East Asian, 0.0023%; no homozygotes.

Submission:

Labcorp Genetics (formerly Invitae), Labcorp
Classification: Uncertain significance for Candidiasis, familial, 8. Last evaluated: 2025-08-11. Review status: criteria provided, single submitter. Criteria: Invitae Variant Classification Sherloc (09022015). Collection method: clinical testing. Allele origin: germline.
Comment: This sequence change replaces histidine, which is basic and polar, with arginine, which is basic and polar, at codon 258 of the TRAF3IP2 protein (p.His258Arg). This variant is not present in population databases (gnomAD no frequency). This variant has not been reported in the literature in individuals affected with TRAF3IP2-related conditions. ClinVar contains an entry for this variant (Variation ID: 661674). Invitae Evidence Modeling of protein sequence and biophysical properties (such as structural, functional, and spatial information, amino acid conservation, physicochemical variation, residue mobility, and thermodynamic stability) indicates that this missense variant is not expected to disrupt TRAF3IP2 protein function with a negative predictive value of 80%. In summary, the available evidence is currently insufficient to determine the role of this variant in disease. Therefore, it has been classified as a Variant of Uncertain Significance.

NM_147686.4(TRAF3IP2):c.773A>G (p.His258Arg)

Genes: TRAF3IP2 (TRAF3 interacting protein 2; minus strand), TRAF3IP2-AS1 (TRAF3IP2 antisense RNA 1; plus strand), LOC114803478 (TRAF3IP2 eExon liver enhancer; plus strand). Cytogenetic location: 6q21.
Variant type: single nucleotide variant.
Coding change: c.773A>G on transcript NM_147686.4 (MANE Select); coding-DNA position 773, A replaced by G.
Protein change: p.His258Arg; replaces histidine 258 with arginine.
Molecular consequence: missense variant.
Genome position (GRCh38, 1-based): chr6:111,591,314, T>C on the plus strand (A>G on the coding strand, the complement: TRAF3IP2 is on the minus strand). VCF-style: chr6-111591314-T-C. GRCh37 (hg19) VCF-style: chr6-111912517-T-C.
Other names: c.773A>G, p.His258Arg (NM_001164281.3); c.800A>G, p.His267Arg (NM_147200.3); short protein forms H258R, H267R.
Identifiers: ClinVar variation 661674 (VCV000661674.8), dbSNP rs1456391791, ClinGen allele CA365365776.